The following is an entry in ClinVar:

NM_002335.4(LRP5):c.723C>T (p.Phe241=)

Gene: LRP5 (LDL receptor related protein 5; plus strand). Cytogenetic location: 11q13.2.
Variant type: single nucleotide variant.
Coding change: c.723C>T on transcript NM_002335.4 (MANE Select); coding-DNA position 723, C replaced by T.
Protein change: p.Phe241=; no amino-acid change (phenylalanine 241 retained).
Molecular consequence: synonymous variant. On other transcripts: 5 prime UTR variant (1).
Genome position (GRCh38, 1-based): chr11:68,363,783, C>T. VCF-style: chr11-68363783-C-T. GRCh37 (hg19) VCF-style: chr11-68131251-C-T.
Other names: c.723C>T (NM_002335.3); c.-1043C>T (NM_001291902.2).
Identifiers: ClinVar variation 1115282 (VCV001115282.11), dbSNP rs775422664, ClinGen allele CA6149097.

ClinVar aggregate classification (germline): Likely benign. Review status: criteria provided, multiple submitters, no conflicts (2 of 4 stars). 3 submissions from 3 submitters: Likely benign (3). Last evaluated 2025-09-11.

Conditions:
LRP5-related disorder. Also called: LRP5-related condition.

Allele frequency attached by ClinVar (database versions not stated): ExAC 0.00001; gnomAD 0.00002; gnomAD exomes 0.00003; TOPMed 0.00003.
gnomAD v4.1: 39 of 1,613,028 alleles (0.0024%); highest among the groups gnomAD compares: Middle Eastern, 0.016%; no homozygotes.

Submissions (3):

Labcorp Genetics (formerly Invitae), Labcorp
Classification: Likely benign. Last evaluated: 2025-09-11. Review status: criteria provided, single submitter. Criteria: Invitae Variant Classification Sherloc (09022015). Collection method: clinical testing. Allele origin: germline.

PreventionGenetics, part of Exact Sciences
Classification: Likely benign for LRP5-related condition. Last evaluated: 2024-12-03. Review status: criteria provided, single submitter. Criteria: ACMG Guidelines, 2015. Collection method: clinical testing. Allele origin: germline.
Comment: This variant is classified as likely benign based on ACMG/AMP sequence variant interpretation guidelines (Richards et al. 2015 PMID: 25741868, with internal and published modifications).

Blueprint Genetics
Classification: Likely benign. Last evaluated: 2022-12-01. Review status: criteria provided, single submitter. Criteria: ACMG Guidelines, 2015. Collection method: clinical testing. Allele origin: germline.